The following is an entry in ClinVar:

NM_001350451.2(RBFOX3):c.977C>T (p.Ala326Val)

Gene: RBFOX3 (RNA binding fox-1 homolog 3; minus strand). Cytogenetic location: 17q25.3.
Variant type: single nucleotide variant.
Coding change: c.977C>T on transcript NM_001350451.2 (MANE Select); coding-DNA position 977, C replaced by T.
Protein change: p.Ala326Val; replaces alanine 326 with valine.
Molecular consequence: missense variant.
Genome position (GRCh38, 1-based): chr17:79,095,534, G>A on the plus strand (C>T on the coding strand, the complement: RBFOX3 is on the minus strand). VCF-style: chr17-79095534-G-A. GRCh37 (hg19) VCF-style: chr17-77091616-G-A.
Other names: c.836C>T, p.Ala279Val (NM_001082575.3, NM_001350453.2, NM_001385833.1 and 16 more transcripts); c.977C>T, p.Ala326Val (NM_001385814.1, NM_001385815.1, NM_001385816.1 and 14 more transcripts); c.974C>T, p.Ala325Val (NM_001385822.1, NM_001385806.1, NM_001385823.1); c.833C>T, p.Ala278Val (NM_001385843.1, NM_001385844.1, NM_001385845.1 and 1 more transcripts); c.689C>T, p.Ala230Val (NM_001385847.1); c.884C>T, p.Ala295Val (NM_001385824.1); c.857C>T, p.Ala286Val (NM_001385827.1); short protein forms A325V, A278V, A326V, A230V, A279V, A286V, A295V.
Identifiers: ClinVar variation 2889714 (VCV002889714.3), dbSNP rs891632025, ClinGen allele CA294777749.

ClinVar aggregate classification (germline): Uncertain significance (1 of 4 stars; one submission).

Conditions:
Idiopathic generalized epilepsy. Also called: Generalised epilepsy; EIG. Identifiers: MedGen C0270850, MONDO:0005579, OMIM 600669.

Allele frequency attached by ClinVar (database versions not stated): gnomAD 0.00001; TOPMed 0.00002.
gnomAD v4.1: 8 of 1,551,176 alleles (0.00052%); highest among the groups gnomAD compares: African/African-American, 0.0014%; no homozygotes.

Submission:

Labcorp Genetics (formerly Invitae), Labcorp
Classification: Uncertain significance for Idiopathic generalized epilepsy. Last evaluated: 2023-09-29. Review status: criteria provided, single submitter. Criteria: Invitae Variant Classification Sherloc (09022015). Collection method: clinical testing. Allele origin: germline.
Comment: In summary, the available evidence is currently insufficient to determine the role of this variant in disease. Therefore, it has been classified as a Variant of Uncertain Significance. This sequence change replaces alanine, which is neutral and non-polar, with valine, which is neutral and non-polar, at codon 279 of the RBFOX3 protein (p.Ala279Val). This variant is not present in population databases (gnomAD no frequency). This variant has not been reported in the literature in individuals affected with RBFOX3-related conditions. Advanced modeling of protein sequence and biophysical properties (such as structural, functional, and spatial information, amino acid conservation, physicochemical variation, residue mobility, and thermodynamic stability) performed at Invitae indicates that this missense variant is not expected to disrupt RBFOX3 protein function.